The following is an entry in ClinVar:

NM_001127178.3(PIGG):c.1115-1G>A

Gene: PIGG (phosphatidylinositol glycan anchor biosynthesis class G (EMM blood group); plus strand). Cytogenetic location: 4p16.3.
Variant type: single nucleotide variant.
Coding change: c.1115-1G>A on transcript NM_001127178.3 (MANE Select); the canonical splice acceptor site of the intron before coding-DNA position 1115, G replaced by A.
Molecular consequence: splice acceptor variant. On other transcripts: intron variant (1).
Genome position (GRCh38, 1-based): chr4:521,055, G>A. VCF-style: chr4-521055-G-A. GRCh37 (hg19) VCF-style: chr4-514844-G-A.
Other names: c.41-1G>A (NM_001345994.2); c.848-1G>A (NM_001345986.2, NM_001345987.2, NM_001289051.2 and 1 more transcripts); c.-373-1G>A (NM_001345991.2, NM_001345990.2); c.86-1G>A (NM_001345988.2); c.1115-1G>A (NM_017733.5, NM_001345989.2); c.716-1G>A (NM_001289052.2); c.848-605G>A (NM_001289057.2); c.749-1G>A (NM_001289055.2).
Identifiers: ClinVar variation 5006775 (VCV005006775.2).

ClinVar aggregate classification (germline): Likely pathogenic (1 of 4 stars; one submission).

Conditions:
BLOOD GROUP, EMM SYSTEM (EMM). Identifiers: MedGen C5676953, OMIM 619812.
Intellectual disability, autosomal recessive 53 (NEDHSCA). Also called: NEURODEVELOPMENTAL DISORDER WITH OR WITHOUT HYPOTONIA, SEIZURES, AND CEREBELLAR ATROPHY; GLYCOSYLPHOSPHATIDYLINOSITOL BIOSYNTHESIS DEFECT 13; Mental retardation, autosomal recessive 53. Identifiers: Orphanet 488635, MedGen C4310794, MONDO:0014832, OMIM 616917.

Submission:

Juno Genomics, Hangzhou Juno Genomics, Inc
Classification: Likely pathogenic for BLOOD GROUP, EMM SYSTEM; Intellectual disability, autosomal recessive 53. Review status: criteria provided, single submitter. Criteria: ACMG Guidelines, 2015. Collection method: clinical testing. Allele origin: germline.
Comment: Null variant in a gene where loss of function (LOF) is a known mechanism of disease.;Absent from controls (or at extremely low frequency if recessive) in Genome Aggregation Database.